The following is an entry in ClinVar:

ClinVar aggregate classification (germline): Likely benign. Review status: criteria provided, multiple submitters, no conflicts (2 of 4 stars). 4 submissions from 4 submitters: Likely benign (4). Last evaluated 2022-04-29.

Conditions:
Hereditary cancer-predisposing syndrome. Also called: Hereditary Cancer Syndrome; Hereditary neoplastic syndrome; Neoplastic Syndromes, Hereditary; Tumor predisposition. Identifiers: Orphanet 140162, MedGen C0027672, MeSH D009386, MONDO:0015356.
Hereditary breast ovarian cancer syndrome. Also called: Hereditary breast and ovarian cancer syndrome; Hereditary breast and ovarian cancer; Breast and ovarian cancer; BRCA1- and BRCA2-Associated Hereditary Breast and Ovarian Cancer; Hereditary breast and/or ovarian cancer syndrome; Hereditary breast and ovarian cancer syndrome (HBOC). Identifiers: Orphanet 145, MedGen C0677776, MeSH D061325, MONDO:0003582. Disease mechanism: loss of function.

Allele frequency attached by ClinVar (database versions not stated): gnomAD exomes below 0.00001.
gnomAD v4.1: 2 of 1,614,100 alleles (0.00012%); highest among the groups gnomAD compares: African/African-American, 0.0013%; no homozygotes.

Submissions (4):

Labcorp Genetics (formerly Invitae), Labcorp
Classification: Likely benign for Hereditary breast ovarian cancer syndrome. Last evaluated: 2022-04-29. Review status: criteria provided, single submitter. Criteria: Invitae Variant Classification Sherloc (09022015). Collection method: clinical testing. Allele origin: germline.

Ambry Genetics
Classification: Likely benign for Hereditary cancer-predisposing syndrome. Last evaluated: 2019-08-28. Review status: criteria provided, single submitter. Criteria: Ambry Variant Classification Scheme 2023. Collection method: clinical testing. Allele origin: germline.

Women's Health and Genetics/Laboratory Corporation of America, LabCorp
Classification: Likely benign. Last evaluated: 2019-08-21. Review status: criteria provided, single submitter. Criteria: LabCorp Variant Classification Summary - May 2015. Collection method: clinical testing. Allele origin: germline.

GeneDx
Classification: Likely benign. Last evaluated: 2016-02-08. Review status: criteria provided, single submitter. Criteria: GeneDx Variant Classification (06012015). Collection method: clinical testing. Allele origin: germline. Affected: yes.
Comment: This variant is considered likely benign or benign based on one or more of the following criteria: it is a conservative change, it occurs at a poorly conserved position in the protein, it is predicted to be benign by multiple in silico algorithms, and/or has population frequency not consistent with disease.

NM_000059.4(BRCA2):c.8064C>T (p.Leu2688=)

Gene: BRCA2 (BRCA2 DNA repair associated; plus strand). Cytogenetic location: 13q13.1.
Variant type: single nucleotide variant.
Coding change: c.8064C>T on transcript NM_000059.4 (MANE Select); coding-DNA position 8064, C replaced by T.
Protein change: p.Leu2688=; no amino-acid change (leucine 2688 retained).
Molecular consequence: synonymous variant.
Genome position (GRCh38, 1-based): chr13:32,363,266, C>T. VCF-style: chr13-32363266-C-T. GRCh37 (hg19) VCF-style: chr13-32937403-C-T.
Identifiers: ClinVar variation 383589 (VCV000383589.17), dbSNP rs1057521686, ClinGen allele CA16606443.